The following is an entry in ClinVar:

NM_006514.4(SCN10A):c.257A>G (p.Tyr86Cys)

Gene: SCN10A (sodium voltage-gated channel alpha subunit 10; minus strand). Cytogenetic location: 3p22.2.
Variant type: single nucleotide variant.
Coding change: c.257A>G on transcript NM_006514.4 (MANE Select); coding-DNA position 257, A replaced by G.
Protein change: p.Tyr86Cys; replaces tyrosine 86 with cysteine.
Molecular consequence: missense variant.
Genome position (GRCh38, 1-based): chr3:38,793,754, T>C on the plus strand (A>G on the coding strand, the complement: SCN10A is on the minus strand). VCF-style: chr3-38793754-T-C. GRCh37 (hg19) VCF-style: chr3-38835245-T-C.
Other names: c.257A>G, p.Tyr86Cys (NM_001293306.2, NM_001293307.2); short protein forms Y86C.
Identifiers: ClinVar variation 566633 (VCV000566633.4), dbSNP rs1173154320, ClinGen allele CA352162492.

ClinVar aggregate classification (germline): Uncertain significance. Review status: criteria provided, multiple submitters, no conflicts (2 of 4 stars). 2 submissions from 2 submitters: Uncertain significance (2). Last evaluated 2022-01-31.

Conditions:
Cardiovascular phenotype. Identifiers: MedGen CN230736.
Brugada syndrome. Also called: Sudden unexplained nocturnal death syndrome; Sudden unexpected nocturnal death syndrome; Sudden Unexplained Death Syndrome; Sudden Unexplained Nocturnal Death Syndrome (SUNDS). Identifiers: Orphanet 130, MedGen C1142166, MONDO:0015263.

Allele frequency attached by ClinVar (database versions not stated): gnomAD exomes below 0.00001; TOPMed below 0.00001; gnomAD 0.00001.
gnomAD v4.1: 3 of 1,613,728 alleles (0.00019%); highest among the groups gnomAD compares: Non-Finnish European, 0.00025%; no homozygotes.

Submissions (2):

Ambry Genetics
Classification: Uncertain significance for Cardiovascular phenotype. Last evaluated: 2022-01-31. Review status: criteria provided, single submitter. Criteria: Ambry Variant Classification Scheme 2023. Collection method: clinical testing. Allele origin: germline.
Comment: The p.Y86C variant (also known as c.257A>G), located in coding exon 1 of the SCN10A gene, results from an A to G substitution at nucleotide position 257. The tyrosine at codon 86 is replaced by cysteine, an amino acid with highly dissimilar properties. This amino acid position is highly conserved in available vertebrate species. In addition, this alteration is predicted to be deleterious by in silico analysis. The evidence for this gene-disease relationship is limited; therefore, the clinical significance of this alteration is unclear.

Labcorp Genetics (formerly Invitae), Labcorp
Classification: Uncertain significance for Brugada syndrome. Last evaluated: 2021-08-24. Review status: criteria provided, single submitter. Criteria: Invitae Variant Classification Sherloc (09022015). Collection method: clinical testing. Allele origin: germline.
Comment: This sequence change replaces tyrosine with cysteine at codon 86 of the SCN10A protein (p.Tyr86Cys). The tyrosine residue is highly conserved and there is a large physicochemical difference between tyrosine and cysteine. This variant is not present in population databases (ExAC no frequency). This variant has not been reported in the literature in individuals affected with SCN10A-related conditions. Algorithms developed to predict the effect of missense changes on protein structure and function (SIFT, PolyPhen-2, Align-GVGD) all suggest that this variant is likely to be disruptive. In summary, the available evidence is currently insufficient to determine the role of this variant in disease. Therefore, it has been classified as a Variant of Uncertain Significance.